The following is an entry in ClinVar:

ClinVar aggregate classification (germline): Likely benign. Review status: criteria provided, multiple submitters, no conflicts (2 of 4 stars). 3 submissions from 3 submitters: Likely benign (3). Last evaluated 2025-10-23.

Conditions:
Inborn genetic diseases. Identifiers: MedGen C0950123, MeSH D030342.

Allele frequency attached by ClinVar (database versions not stated): gnomAD 0.00002.
gnomAD v4.1: 16 of 1,334,446 alleles (0.0012%); highest among the groups gnomAD compares: Admixed American, 0.0042%; no homozygotes.

Submissions (3):

Labcorp Genetics (formerly Invitae), Labcorp
Classification: Likely benign. Last evaluated: 2025-10-23. Review status: criteria provided, single submitter. Criteria: Invitae Variant Classification Sherloc (09022015). Collection method: clinical testing. Allele origin: germline.

Ambry Genetics
Classification: Likely benign for Inborn genetic diseases. Last evaluated: 2025-02-28. Review status: criteria provided, single submitter. Criteria: Ambry Variant Classification Scheme 2023. Collection method: clinical testing. Allele origin: germline.

CeGaT Center for Human Genetics Tuebingen
Classification: Likely benign. Last evaluated: 2022-03-01. Review status: criteria provided, single submitter. Criteria: CeGaT Center For Human Genetics Tuebingen Variant Classification Criteria Version 2. Collection method: clinical testing. Allele origin: germline. Affected: yes. Observed: 1 variant allele.
Comment: KDM1A: BP4, BP7

NM_001009999.3(KDM1A):c.144C>T (p.Ala48=)

Gene: KDM1A (lysine demethylase 1A; plus strand). Cytogenetic location: 1p36.12.
Variant type: single nucleotide variant.
Coding change: c.144C>T on transcript NM_001009999.3 (MANE Select); coding-DNA position 144, C replaced by T.
Protein change: p.Ala48=; no amino-acid change (alanine 48 retained).
Molecular consequence: synonymous variant.
Genome position (GRCh38, 1-based): chr1:23,019,740, C>T. VCF-style: chr1-23019740-C-T. GRCh37 (hg19) VCF-style: chr1-23346233-C-T.
Other names: c.144C>T (NM_001009999.2); c.144C>T, p.Ala48= (NM_001363654.2, NM_001410762.1, NM_001410763.1 and 1 more transcripts).
Identifiers: ClinVar variation 2638474 (VCV002638474.28), dbSNP rs1038216351, ClinGen allele CA19198848.
Genomic context (GRCh38, chr1:23,019,740, plus strand): 5'-AGGCGGCTCCGAGAACGGGTCTGAGGTGGCCGCGCAGCCCGCGGGCCTGTCGGGCCCAGC[C>T]GAGGTCGGGCCGGGGGCGGTGGGGGAGCGCACACCCCGCAAGAAAGAGCCTCCGCGGGCC-3'
Protein context (NP_001009999.1, residues 38-58): AAQPAGLSGP[Ala48=]EVGPGAVGER